The following is an entry in ClinVar:

NM_000742.4(CHRNA2):c.224G>A (p.Arg75His)

Gene: CHRNA2 (cholinergic receptor nicotinic alpha 2 subunit; minus strand). Cytogenetic location: 8p21.2.
Variant type: single nucleotide variant.
Coding change: c.224G>A on transcript NM_000742.4 (MANE Select); coding-DNA position 224, G replaced by A.
Protein change: p.Arg75His; replaces arginine 75 with histidine.
Molecular consequence: missense variant. On other transcripts: 5 prime UTR variant (4).
Genome position (GRCh38, 1-based): chr8:27,469,831, C>T on the plus strand (G>A on the coding strand, the complement: CHRNA2 is on the minus strand). VCF-style: chr8-27469831-C-T. GRCh37 (hg19) VCF-style: chr8-27327348-C-T.
Other names: c.224G>A, p.Arg75His (NM_001282455.2); c.-204G>A (NM_001347705.2); c.-249G>A (NM_001347706.2); c.-190G>A (NM_001347707.2); c.-238G>A (NM_001347708.2); short protein forms R75H.
Identifiers: ClinVar variation 204994 (VCV000204994.8), dbSNP rs762847144, ClinGen allele CA313508.

ClinVar aggregate classification (germline): Uncertain significance. Review status: criteria provided, multiple submitters, no conflicts (2 of 4 stars). 3 submissions from 3 submitters: Uncertain significance (3). Last evaluated 2024-05-30.

Conditions:
Familial sleep-related hypermotor epilepsy. Also called: Autosomal Dominant Sleep-Related Hypermotor (Hyperkinetic) Epilepsy. Identifiers: Orphanet 98784, MedGen C3696898, MONDO:0000030.
Inborn genetic diseases. Identifiers: MedGen C0950123, MeSH D030342.

Allele frequency attached by ClinVar (database versions not stated): gnomAD exomes below 0.00001; ExAC 0.00002.
gnomAD v4.1: 10 of 1,614,136 alleles (0.00062%); highest among the groups gnomAD compares: Non-Finnish European, 0.00085%; no homozygotes.

Submissions (3):

Blueprint Genetics
Classification: Uncertain significance. Last evaluated: 2024-05-30. Review status: criteria provided, single submitter. Criteria: ACMG Guidelines, 2015. Collection method: clinical testing. Allele origin: germline.

Labcorp Genetics (formerly Invitae), Labcorp
Classification: Uncertain significance. Last evaluated: 2023-10-03. Review status: criteria provided, single submitter. Criteria: Invitae Variant Classification Sherloc (09022015). Collection method: clinical testing. Allele origin: germline.
Comment: This sequence change replaces arginine, which is basic and polar, with histidine, which is basic and polar, at codon 75 of the CHRNA2 protein (p.Arg75His). This variant is present in population databases (rs762847144, gnomAD 0.006%). This variant has not been reported in the literature in individuals affected with CHRNA2-related conditions. This missense change has been observed in at least one individual who was not affected with CHRNA2-related conditions (Invitae). ClinVar contains an entry for this variant (Variation ID: 204994). Advanced modeling of protein sequence and biophysical properties (such as structural, functional, and spatial information, amino acid conservation, physicochemical variation, residue mobility, and thermodynamic stability) performed at Invitae indicates that this missense variant is expected to disrupt CHRNA2 protein function. In summary, the available evidence is currently insufficient to determine the role of this variant in disease. Therefore, it has been classified as a Variant of Uncertain Significance.

Ambry Genetics
Classification: Uncertain significance for Inborn genetic diseases. Last evaluated: 2017-06-09. Review status: criteria provided, single submitter. Criteria: Ambry Variant Classification Scheme 2023. Collection method: clinical testing. Allele origin: germline.
Comment: The p.R75H variant (also known as c.224G>A), located in coding exon 2 of the CHRNA2 gene, results from a G to A substitution at nucleotide position 224. The arginine at codon 75 is replaced by histidine, an amino acid with highly similar properties. This amino acid position is highly conserved in available vertebrate species. In addition, this alteration is predicted to be deleterious by in silico analysis. Since supporting evidence is limited at this time, the clinical significance of this alteration remains unclear.